The following is an entry in ClinVar:

ClinVar aggregate classification (germline): Uncertain significance (1 of 4 stars; one submission).

Conditions:
Neuroblastoma, susceptibility to, 3. Also called: ALK-Related Neuroblastic Tumor Susceptibility. Identifiers: Orphanet 635, MedGen C2751681, MONDO:0013083, OMIM 613014.

Submission:

Labcorp Genetics (formerly Invitae), Labcorp
Classification: Uncertain significance for Neuroblastoma, susceptibility to, 3. Last evaluated: 2024-04-10. Review status: criteria provided, single submitter. Criteria: Invitae Variant Classification Sherloc (09022015). Collection method: clinical testing. Allele origin: germline.
Comment: This sequence change replaces proline, which is neutral and non-polar, with arginine, which is basic and polar, at codon 1418 of the ALK protein (p.Pro1418Arg). This variant is not present in population databases (gnomAD no frequency). This variant has not been reported in the literature in individuals affected with ALK-related conditions. ClinVar contains an entry for this variant (Variation ID: 945952). An algorithm developed to predict the effect of missense changes on protein structure and function (PolyPhen-2) suggests that this variant is likely to be disruptive. In summary, the available evidence is currently insufficient to determine the role of this variant in disease. Therefore, it has been classified as a Variant of Uncertain Significance.

NM_004304.5(ALK):c.4253C>G (p.Pro1418Arg)

Gene: ALK (ALK receptor tyrosine kinase; minus strand). Cytogenetic location: 2p23.2.
Variant type: single nucleotide variant.
Coding change: c.4253C>G on transcript NM_004304.5 (MANE Select); coding-DNA position 4253, C replaced by G.
Protein change: p.Pro1418Arg; replaces proline 1418 with arginine.
Molecular consequence: missense variant.
Genome position (GRCh38, 1-based): chr2:29,193,834, G>C on the plus strand (C>G on the coding strand, the complement: ALK is on the minus strand). VCF-style: chr2-29193834-G-C. GRCh37 (hg19) VCF-style: chr2-29416700-G-C.
Other names: c.1049C>G, p.Pro350Arg (NM_001353765.2); short protein forms P1418R, P350R.
Identifiers: ClinVar variation 945952 (VCV000945952.9), dbSNP rs1668952882, ClinGen allele CA346463023.